The following is an entry in ClinVar:

ClinVar aggregate classification (germline): Uncertain significance (1 of 4 stars; one submission).

Submission:

GeneDx
Classification: Uncertain significance. Last evaluated: 2024-07-30. Review status: criteria provided, single submitter. Criteria: GeneDx Variant Classification Process June 2021. Collection method: clinical testing. Allele origin: germline.
Comment: Not observed at significant frequency in large population cohorts (gnomAD); In silico analysis indicates that this missense variant does not alter protein structure/function; Has not been previously published as pathogenic or benign to our knowledge

NM_023110.3(FGFR1):c.443G>C (p.Arg148Pro)

Gene: FGFR1 (fibroblast growth factor receptor 1; minus strand). Cytogenetic location: 8p11.23.
Variant type: single nucleotide variant.
Coding change: c.443G>C on transcript NM_023110.3 (MANE Select); coding-DNA position 443, G replaced by C.
Protein change: p.Arg148Pro; replaces arginine 148 with proline.
Molecular consequence: missense variant. On other transcripts: splice donor variant (9).
Genome position (GRCh38, 1-based): chr8:38,428,351, C>G on the plus strand (G>C on the coding strand, the complement: FGFR1 is on the minus strand). VCF-style: chr8-38428351-C-G. GRCh37 (hg19) VCF-style: chr8-38285869-C-G.
Other names: c.443G>C, p.Arg148Pro (NM_000604.2, NM_001174063.2); c.419G>C, p.Arg140Pro (NM_001174064.2); c.176G>C, p.Arg59Pro (NM_001174066.2, NM_023105.3); c.175+1G>C (NM_001354368.2, NM_001354370.2, NM_023106.3); c.442+1G>C (NM_001354367.2, NM_015850.4, NM_001354369.2 and 2 more transcripts); c.541+1G>C (NM_001174067.2); short protein forms R140P, R148P, R59P.
Identifiers: ClinVar variation 1706373 (VCV001706373.3), dbSNP rs515726222, ClinGen allele CA370735908.
Genomic context (GRCh38, chr8:38,428,351, plus strand): 5'-TCTTAAACCCAATGCCCAGACCCAAAGGGCAGTAAGATAGGAAACAGTGTCTCACGCATA[C>G]GGTTTGGTTTGGTGTTATCTGTTTCTTTCTCCTCTGAAGAGGAGTCATCATCATCATCAT-3'
Protein context (NP_075598.2, residues 138-158): EKETDNTKPN[Arg148Pro]MPVAPYWTSP